The following is an entry in ClinVar:

ClinVar aggregate classification (germline): Likely benign. Review status: criteria provided, multiple submitters, no conflicts (2 of 4 stars). 4 submissions from 4 submitters: Likely benign (4). Last evaluated 2026-01-16.

Conditions:
Cardiomyopathy (CMYO). Also called: Cardiomyopathies. Identifiers: Orphanet 167848, MedGen C0878544, MONDO:0004994, HP:0001638. Inheritance: Various modes of inheritance.
Cardiovascular phenotype. Identifiers: MedGen CN230736.
Catecholaminergic polymorphic ventricular tachycardia 1. Also called: VENTRICULAR TACHYCARDIA, CATECHOLAMINERGIC POLYMORPHIC, 1, WITH OR WITHOUT ATRIAL DYSFUNCTION AND/OR DILATED CARDIOMYOPATHY; RYR2-Related Catecholaminergic Polymorphic Ventricular Tachycardia; VENTRICULAR TACHYCARDIA, STRESS-INDUCED POLYMORPHIC 1. Identifiers: Orphanet 3286, MedGen C1631597, MONDO:0011484, OMIM 604772.

Allele frequency attached by ClinVar (database versions not stated): gnomAD exomes below 0.00001; gnomAD 0.00003 and 0.00004; TOPMed 0.00005.
gnomAD v4.1: 8 of 1,613,728 alleles (0.0005%); highest among the groups gnomAD compares: African/African-American, 0.008%; no homozygotes.

Submissions (4):

Labcorp Genetics (formerly Invitae), Labcorp
Classification: Likely benign for Catecholaminergic polymorphic ventricular tachycardia 1. Last evaluated: 2026-01-16. Review status: criteria provided, single submitter. Criteria: Invitae Variant Classification Sherloc (09022015). Collection method: clinical testing. Allele origin: germline.

Color Diagnostics, LLC DBA Color Health
Classification: Likely benign for Cardiomyopathy. Last evaluated: 2022-11-06. Review status: criteria provided, single submitter. Criteria: ACMG Guidelines, 2015. Collection method: clinical testing. Allele origin: germline.

Ambry Genetics
Classification: Likely benign for Cardiovascular phenotype. Last evaluated: 2019-09-02. Review status: criteria provided, single submitter. Criteria: Ambry Variant Classification Scheme 2023. Collection method: clinical testing. Allele origin: germline.

GeneDx
Classification: Likely benign. Last evaluated: 2017-08-11. Review status: criteria provided, single submitter. Criteria: GeneDx Variant Classification (06012015). Collection method: clinical testing. Allele origin: germline. Affected: yes.
Comment: This variant is considered likely benign or benign based on one or more of the following criteria: it is a conservative change, it occurs at a poorly conserved position in the protein, it is predicted to be benign by multiple in silico algorithms, and/or has population frequency not consistent with disease.

NM_001035.3(RYR2):c.12276G>A (p.Lys4092=)

Gene: RYR2 (ryanodine receptor 2; plus strand). Cytogenetic location: 1q43.
Variant type: single nucleotide variant.
Coding change: c.12276G>A on transcript NM_001035.3 (MANE Select); coding-DNA position 12276, G replaced by A.
Protein change: p.Lys4092=; no amino-acid change (lysine 4092 retained).
Molecular consequence: synonymous variant.
Genome position (GRCh38, 1-based): chr1:237,783,988, G>A. VCF-style: chr1-237783988-G-A. GRCh37 (hg19) VCF-style: chr1-237947288-G-A.
Other names: c.12276G>A, p.Lys4092= (LRG_402t1).
Identifiers: ClinVar variation 511418 (VCV000511418.50), dbSNP rs974833291, ClinGen allele CA066343.